The following is an entry in ClinVar:

ClinVar aggregate classification (germline): Uncertain significance (1 of 4 stars; one submission).

Conditions:
Intellectual developmental disorder, autosomal recessive 52. Also called: Intellectual disability, autosomal recessive 52. Identifiers: Orphanet 88616, MedGen C4225168, MONDO:0014815, OMIM 616887.

Allele frequency attached by ClinVar (database versions not stated): gnomAD exomes 0.00001 and 0.00002; TOPMed 0.00001; ExAC 0.00002.
gnomAD v4.1: 10 of 1,614,206 alleles (0.00062%); highest among the groups gnomAD compares: East Asian, 0.0067%; no homozygotes.

Submission:

Baylor Genetics
Classification: Uncertain significance for Intellectual developmental disorder, autosomal recessive 52. Last evaluated: 2020-01-15. Review status: criteria provided, single submitter. Criteria: ACMG Guidelines, 2015. Collection method: clinical testing. Allele origin: unknown. Affected: yes.
Comment: This variant was determined to be of uncertain significance according to ACMG Guidelines, 2015 [PMID:25741868].

NM_030805.4(LMAN2L):c.652G>A (p.Val218Ile)

Gene: LMAN2L (lectin, mannose binding 2 like; minus strand). Cytogenetic location: 2q11.2.
Variant type: single nucleotide variant.
Coding change: c.652G>A on transcript NM_030805.4 (MANE Select); coding-DNA position 652, G replaced by A.
Protein change: p.Val218Ile; replaces valine 218 with isoleucine.
Molecular consequence: missense variant.
Genome position (GRCh38, 1-based): chr2:96,711,881, C>T on the plus strand (G>A on the coding strand, the complement: LMAN2L is on the minus strand). VCF-style: chr2-96711881-C-T. GRCh37 (hg19) VCF-style: chr2-97377618-C-T.
Other names: c.685G>A, p.Val229Ile (NM_001142292.2); c.250G>A, p.Val84Ile (NM_001322354.2, NM_001322346.2); c.217G>A, p.Val73Ile (NM_001322355.2, NM_001322356.2, NM_001322351.2); c.271G>A, p.Val91Ile (NM_001322347.2, NM_001322352.2); c.238G>A, p.Val80Ile (NM_001322350.2); short protein forms V229I, V73I, V80I, V84I, V91I, V218I.
Identifiers: ClinVar variation 1030200 (VCV001030200.1), dbSNP rs753445500, ClinGen allele CA1782921.